The following is an entry in ClinVar:

NM_001042492.3(NF1):c.1528-1G>A

Gene: NF1 (neurofibromin 1; plus strand). Cytogenetic location: 17q11.2.
Variant type: single nucleotide variant.
Coding change: c.1528-1G>A on transcript NM_001042492.3 (MANE Select); the canonical splice acceptor site of the intron before coding-DNA position 1528, G replaced by A.
Molecular consequence: splice acceptor variant.
Genome position (GRCh38, 1-based): chr17:31,219,004, G>A. VCF-style: chr17-31219004-G-A. GRCh37 (hg19) VCF-style: chr17-29546022-G-A.
Other names: c.1528-1G>A (NM_000267.4, NM_001128147.3).
Identifiers: ClinVar variation 233720 (VCV000233720.3), dbSNP rs876660595, ClinGen allele CA10580223.

ClinVar aggregate classification (germline): Likely pathogenic (1 of 4 stars; one submission).

Conditions:
Hereditary cancer-predisposing syndrome. Also called: Neoplastic Syndromes, Hereditary; Tumor predisposition; Hereditary Cancer Syndrome; Hereditary neoplastic syndrome. Identifiers: Orphanet 140162, MedGen C0027672, MeSH D009386, MONDO:0015356.

Allele frequency attached by ClinVar (database versions not stated): gnomAD exomes below 0.00001.
gnomAD v4.1: 2 of 1,611,138 alleles (0.00012%); highest among the groups gnomAD compares: East Asian, 0.0022%; no homozygotes.

Submission:

Ambry Genetics
Classification: Likely pathogenic for Hereditary cancer-predisposing syndrome. Last evaluated: 2015-09-04. Review status: criteria provided, single submitter. Criteria: Ambry Autosomal Dominant and X-Linked criteria (10/2015). Collection method: clinical testing. Allele origin: germline. Observed: 1 variant allele.
Comment: The c.1528-1G>A intronic variant results from a G to A substitution one nucleotide upstream from coding exon 14 of the NF1 gene. This variant was not reported in population based cohorts in the following databases: Database of Single Nucleotide Polymorphisms (dbSNP), NHLBI Exome Sequencing Project (ESP), and 1000 Genomes Project. In the ESP, this variant was not observed in 6503 samples (13006 alleles) with coverage at this position. To date, this alteration has been detected with an allele frequency of approximately 0.002% (greater than 55000 alleles tested) in our clinical cohort. This nucleotide position is highly conserved in available vertebrate species. Using the BDGP and ESEfinder splice site prediction tools, this alteration is predicted to abolish the native splice acceptor site; however, direct evidence is unavailable.Alterations that disrupt the canonical splice donor site are typically deleterious in nature (ACMGRecommendations for Standards for Interpretation and Reporting of Sequence Variations. Revision 2007.Genet Med.2008;10:294).Based on the majority of available evidence to date, this variant is likely to be pathogenic.